The following is an entry in ClinVar:

NM_001271938.2(MEGF8):c.334G>A (p.Glu112Lys)

Gene: MEGF8 (multiple EGF like domains 8; plus strand). Cytogenetic location: 19q13.2.
Variant type: single nucleotide variant.
Coding change: c.334G>A on transcript NM_001271938.2 (MANE Select); coding-DNA position 334, G replaced by A.
Protein change: p.Glu112Lys; replaces glutamic acid 112 with lysine.
Molecular consequence: missense variant.
Genome position (GRCh38, 1-based): chr19:42,333,751, G>A. VCF-style: chr19-42333751-G-A. GRCh37 (hg19) VCF-style: chr19-42837903-G-A.
Other names: c.334G>A, p.Glu112Lys (NM_001410.3); short protein forms E112K.
Identifiers: ClinVar variation 1390514 (VCV001390514.6), dbSNP rs763111888, ClinGen allele CA9474127.

ClinVar aggregate classification (germline): Uncertain significance (1 of 4 stars; one submission).

Conditions:
MEGF8-related Carpenter syndrome. Also called: Carpenter syndrome 2. Identifiers: Orphanet 65759, MedGen C3554247, MONDO:0013998, OMIM 614976.

Allele frequency attached by ClinVar (database versions not stated): gnomAD exomes below 0.00001 and 0.00001; ExAC 0.00001.
gnomAD v4.1: 6 of 1,613,910 alleles (0.00037%); highest among the groups gnomAD compares: East Asian, 0.0022%; no homozygotes.

Submission:

Labcorp Genetics (formerly Invitae), Labcorp
Classification: Uncertain significance for MEGF8-related Carpenter syndrome. Last evaluated: 2021-11-01. Review status: criteria provided, single submitter. Criteria: Invitae Variant Classification Sherloc (09022015). Collection method: clinical testing. Allele origin: germline.
Comment: This variant is present in population databases (rs763111888, gnomAD 0.003%). This variant has not been reported in the literature in individuals affected with MEGF8-related conditions. Algorithms developed to predict the effect of missense changes on protein structure and function are either unavailable or do not agree on the potential impact of this missense change (SIFT: "Tolerated"; PolyPhen-2: "Possibly Damaging"; Align-GVGD: "Class C0"). In summary, the available evidence is currently insufficient to determine the role of this variant in disease. Therefore, it has been classified as a Variant of Uncertain Significance. This sequence change replaces glutamic acid, which is acidic and polar, with lysine, which is basic and polar, at codon 112 of the MEGF8 protein (p.Glu112Lys).